The following is an entry in ClinVar:

NM_001122769.3(LCA5):c.731A>G (p.Lys244Arg)

Gene: LCA5 (lebercilin LCA5; minus strand). Cytogenetic location: 6q14.1.
Variant type: single nucleotide variant.
Coding change: c.731A>G on transcript NM_001122769.3 (MANE Select); coding-DNA position 731, A replaced by G.
Protein change: p.Lys244Arg; replaces lysine 244 with arginine.
Molecular consequence: missense variant.
Genome position (GRCh38, 1-based): chr6:79,493,740, T>C on the plus strand (A>G on the coding strand, the complement: LCA5 is on the minus strand). VCF-style: chr6-79493740-T-C. GRCh37 (hg19) VCF-style: chr6-80203457-T-C.
Other names: c.731A>G, p.Lys244Arg (NM_181714.4); short protein forms K244R.
Identifiers: ClinVar variation 4741564 (VCV004741564.1).

ClinVar aggregate classification (germline): Uncertain significance (1 of 4 stars; one submission).

gnomAD v4.1: 1 of 1,612,652 alleles (0.000062%); highest among the groups gnomAD compares: Non-Finnish European, 0.000085%; no homozygotes.

Submission:

Labcorp Genetics (formerly Invitae), Labcorp
Classification: Uncertain significance. Last evaluated: 2025-10-18. Review status: criteria provided, single submitter. Criteria: Invitae Variant Classification Sherloc (09022015). Collection method: clinical testing. Allele origin: germline.
Comment: This sequence change replaces lysine, which is basic and polar, with arginine, which is basic and polar, at codon 244 of the LCA5 protein (p.Lys244Arg). This variant is not present in population databases (gnomAD no frequency). This variant has not been reported in the literature in individuals affected with LCA5-related conditions. Invitae Evidence Modeling of protein sequence and biophysical properties (such as structural, functional, and spatial information, amino acid conservation, physicochemical variation, residue mobility, and thermodynamic stability) indicates that this missense variant is not expected to disrupt LCA5 protein function with a negative predictive value of 80%. In summary, the available evidence is currently insufficient to determine the role of this variant in disease. Therefore, it has been classified as a Variant of Uncertain Significance.